The following is an entry in ClinVar:

NM_000899.5(KITLG):c.577C>T (p.Leu193Phe)

Gene: KITLG (KIT ligand; minus strand). Cytogenetic location: 12q21.32.
Variant type: single nucleotide variant.
Coding change: c.577C>T on transcript NM_000899.5 (MANE Select); coding-DNA position 577, C replaced by T.
Protein change: p.Leu193Phe; replaces leucine 193 with phenylalanine.
Molecular consequence: missense variant. On other transcripts: intron variant (1).
Genome position (GRCh38, 1-based): chr12:88,515,561, G>A on the plus strand (C>T on the coding strand, the complement: KITLG is on the minus strand). VCF-style: chr12-88515561-G-A. GRCh37 (hg19) VCF-style: chr12-88909338-G-A.
Other names: c.520+773C>T (NM_003994.6); short protein forms L193F.
Identifiers: ClinVar variation 4887711 (VCV004887711.1).

ClinVar aggregate classification (germline): Uncertain significance (1 of 4 stars; one submission).

Submission:

Women's Health and Genetics/Laboratory Corporation of America, LabCorp
Classification: Uncertain significance. Last evaluated: 2026-06-24. Review status: criteria provided, single submitter. Criteria: LabCorp Variant Classification Summary - May 2015. Collection method: clinical testing. Allele origin: germline.
Comment: Variant summary: KITLG c.577C>T (p.Leu193Phe) results in a non-conservative amino acid change in the encoded protein sequence. Algorithms developed to predict the effect of missense changes on protein structure and function are either unavailable or do not agree on the potential impact of this missense change. The variant was absent in 250006 control chromosomes. The available data on variant occurrences in the general population are insufficient to allow any conclusion about variant significance. To our knowledge, no occurrence of c.577C>T in individuals affected with KITLG-related conditions and no experimental evidence demonstrating its impact on protein function have been reported. No submitters have cited clinical-significance assessments for this variant to ClinVar. Based on the evidence outlined above, the variant was classified as uncertain significance.